The following is an entry in ClinVar:

ClinVar aggregate classification (germline): Uncertain significance. Review status: criteria provided, multiple submitters, no conflicts (2 of 4 stars). 2 submissions from 2 submitters: Uncertain significance (2). Last evaluated 2022-10-05.

Conditions:
Immunodeficiency 63 with lymphoproliferation and autoimmunity. Also called: INTERLEUKIN 2 RECEPTOR, BETA, DEFICIENCY OF; IL2RB DEFICIENCY; CD122 DEFICIENCY. Identifiers: MedGen C5193126, MONDO:0032782, OMIM 618495.

Allele frequency attached by ClinVar (database versions not stated): gnomAD exomes below 0.00001 and 0.00001; ExAC 0.00001; TOPMed 0.00002; ESP Exome Variant Server 0.00008.
gnomAD v4.1: 9 of 1,609,636 alleles (0.00056%); highest among the groups gnomAD compares: African/African-American, 0.0013%; no homozygotes.

Submissions (2):

Labcorp Genetics (formerly Invitae), Labcorp
Classification: Uncertain significance. Last evaluated: 2022-10-05. Review status: criteria provided, single submitter. Criteria: Invitae Variant Classification Sherloc (09022015). Collection method: clinical testing. Allele origin: germline.
Comment: This sequence change replaces proline, which is neutral and non-polar, with leucine, which is neutral and non-polar, at codon 65 of the IL2RB protein (p.Pro65Leu). This variant is present in population databases (rs371340355, gnomAD 0.01%). This variant has not been reported in the literature in individuals affected with IL2RB-related conditions. ClinVar contains an entry for this variant (Variation ID: 1030917). Algorithms developed to predict the effect of missense changes on protein structure and function are either unavailable or do not agree on the potential impact of this missense change (SIFT: "Tolerated"; PolyPhen-2: "Possibly Damaging"; Align-GVGD: "Class C0"). In summary, the available evidence is currently insufficient to determine the role of this variant in disease. Therefore, it has been classified as a Variant of Uncertain Significance.

Baylor Genetics
Classification: Uncertain significance for Immunodeficiency 63 with lymphoproliferation and autoimmunity. Last evaluated: 2019-12-20. Review status: criteria provided, single submitter. Criteria: ACMG Guidelines, 2015. Collection method: clinical testing. Allele origin: unknown. Affected: yes.
Comment: This variant was determined to be of uncertain significance according to ACMG Guidelines, 2015 [PMID:25741868].

NM_000878.5(IL2RB):c.194C>T (p.Pro65Leu)

Gene: IL2RB (interleukin 2 receptor subunit beta; minus strand). Cytogenetic location: 22q12.3.
Variant type: single nucleotide variant.
Coding change: c.194C>T on transcript NM_000878.5 (MANE Select); coding-DNA position 194, C replaced by T.
Protein change: p.Pro65Leu; replaces proline 65 with leucine.
Molecular consequence: missense variant.
Genome position (GRCh38, 1-based): chr22:37,143,530, G>A on the plus strand (C>T on the coding strand, the complement: IL2RB is on the minus strand). VCF-style: chr22-37143530-G-A. GRCh37 (hg19) VCF-style: chr22-37539570-G-A.
Other names: c.194C>T, p.Pro65Leu (NM_001346222.1, NM_001346223.2); short protein forms P65L.
Identifiers: ClinVar variation 1030917 (VCV001030917.5), dbSNP rs371340355, ClinGen allele CA10216729.
Genomic context (GRCh38, chr22:37,143,530, plus strand): 5'-AATATGAGATCCCACCATCCTAAGATTCTGCAGTGTGGCCAGTGGACTCACCGTCTGTCC[G>A]GCCAGGCATGGACTTGGCAGGAAGTGTCCTGCAGAGCCCCATCTTGGCTCCAGACACAGG-3'
Protein context (NP_000869.1, residues 55-75): QDTSCQVHAW[Pro65Leu]DRRRWNQTCE